The following is an entry in ClinVar:

ClinVar aggregate classification (germline): Uncertain significance (1 of 4 stars; one submission).

Allele frequency attached by ClinVar (database versions not stated): gnomAD exomes below 0.00001; TOPMed below 0.00001; gnomAD 0.00001.
gnomAD v4.1: 6 of 1,613,234 alleles (0.00037%); highest among the groups gnomAD compares: South Asian, 0.0011%; no homozygotes.

Submission:

Labcorp Genetics (formerly Invitae), Labcorp
Classification: Uncertain significance. Last evaluated: 2022-04-08. Review status: criteria provided, single submitter. Criteria: Invitae Variant Classification Sherloc (09022015). Collection method: clinical testing. Allele origin: germline.
Comment: This sequence change replaces alanine, which is neutral and non-polar, with threonine, which is neutral and polar, at codon 387 of the IFT74 protein (p.Ala387Thr). This variant is not present in population databases (gnomAD no frequency). This variant has not been reported in the literature in individuals affected with IFT74-related conditions. Algorithms developed to predict the effect of missense changes on protein structure and function output the following: SIFT: "Tolerated"; PolyPhen-2: "Benign"; Align-GVGD: "Class C0". The threonine amino acid residue is found in multiple mammalian species, which suggests that this missense change does not adversely affect protein function. In summary, the available evidence is currently insufficient to determine the role of this variant in disease. Therefore, it has been classified as a Variant of Uncertain Significance.

NM_025103.4(IFT74):c.1159G>A (p.Ala387Thr)

Gene: IFT74 (intraflagellar transport 74; plus strand). Cytogenetic location: 9p21.2.
Variant type: single nucleotide variant.
Coding change: c.1159G>A on transcript NM_025103.4 (MANE Select); coding-DNA position 1159, G replaced by A.
Protein change: p.Ala387Thr; replaces alanine 387 with threonine.
Molecular consequence: missense variant.
Genome position (GRCh38, 1-based): chr9:27,047,324, G>A. VCF-style: chr9-27047324-G-A. GRCh37 (hg19) VCF-style: chr9-27047322-G-A.
Other names: c.1159G>A, p.Ala387Thr (NM_001099222.3, NM_001099223.3, NM_001349928.2); short protein forms A387T.
Identifiers: ClinVar variation 2102615 (VCV002102615.1), dbSNP rs1819736446, ClinGen allele CA373125275.
Genomic context (GRCh38, chr9:27,047,324, plus strand): 5'-CAATTGTCAGCTTTTATTGAGACTTTTGAGGAAACAAAGAATCAGGAACTGAAACGAAAG[G>A]CACAGATAGAAGCCAACATTGTTGCACTCTTGGAGCACTGCAGTCGAGTGAGTACCATGT-3'
Protein context (NP_079379.2, residues 377-397): ETKNQELKRK[Ala387Thr]QIEANIVALL